The following is an entry in ClinVar:

NM_001001331.4(ATP2B2):c.3455_3456del (p.Leu1151_Tyr1152insTer)

Gene: ATP2B2 (ATPase plasma membrane Ca2+ transporting 2; minus strand). Cytogenetic location: 3p25.3.
Variant type: Deletion.
Coding change: c.3455_3456del on transcript NM_001001331.4 (MANE Select); coding-DNA positions 3455 to 3456, 2 bases deleted (AT; older notation c.3455_3456delAT).
Protein change: p.Leu1151_Tyr1152insTer.
Molecular consequence: nonsense. On other transcripts: 3 prime UTR variant (2).
Genome position (GRCh38, 1-based): chr3:10,329,090-10,329,091, AT deleted on the plus strand (AT on the coding strand, the reverse complement: ATP2B2 is on the minus strand); deleting any 2 consecutive bases within chr3:10,329,090-10,329,092 gives the same sequence; the c. name uses the placement nearest the transcript's 3' end. VCF-style (leftmost placement, unchanged base first): chr3-10329089-CAT-C. GRCh37 (hg19) VCF-style: chr3-10370773-CAT-C.
Other names: c.*82_*83del (NM_001330611.3); c.3320_3321del, p.Leu1106_Tyr1107insTer (NM_001353564.1, NM_001683.5); c.*9_*10del (NM_001363862.1).
Identifiers: ClinVar variation 2136025 (VCV002136025.1), dbSNP rs2470034113, ClinGen allele CA2580068394.

ClinVar aggregate classification (germline): Uncertain significance (1 of 4 stars; one submission).

Submission:

GeneDx
Classification: Uncertain significance. Last evaluated: 2022-07-21. Review status: criteria provided, single submitter. Criteria: GeneDx Variant Classification Process June 2021. Collection method: clinical testing. Allele origin: germline. Affected: yes.
Comment: Not observed at significant frequency in large population cohorts (gnomAD); Nonsense variant predicted to result in protein truncation as the last 92 amino acids are lost, although loss-of-function variants have not been reported downstream of this position in the protein; Has not been previously published as pathogenic or benign to our knowledge